The following is an entry in ClinVar:

ClinVar aggregate classification (germline): Uncertain significance (1 of 4 stars; one submission).

gnomAD v4.1: 1 of 1,613,670 alleles (0.000062%); highest among the groups gnomAD compares: African/African-American, 0.0013%; no homozygotes.

Submission:

Labcorp Genetics (formerly Invitae), Labcorp
Classification: Uncertain significance. Last evaluated: 2023-07-07. Review status: criteria provided, single submitter. Criteria: Invitae Variant Classification Sherloc (09022015). Collection method: clinical testing. Allele origin: germline.
Comment: This variant is present in population databases (no rsID available, gnomAD 0.007%). This sequence change replaces threonine, which is neutral and polar, with isoleucine, which is neutral and non-polar, at codon 255 of the DYM protein (p.Thr255Ile). This variant has not been reported in the literature in individuals affected with DYM-related conditions. In summary, the available evidence is currently insufficient to determine the role of this variant in disease. Therefore, it has been classified as a Variant of Uncertain Significance. An algorithm developed to predict the effect of missense changes on protein structure and function (PolyPhen-2) suggests that this variant is likely to be disruptive. ClinVar contains an entry for this variant (Variation ID: 1922468).

NM_001353214.3(DYM):c.764C>T (p.Thr255Ile)

Gene: DYM (dymeclin; minus strand). Cytogenetic location: 18q21.1.
Variant type: single nucleotide variant.
Coding change: c.764C>T on transcript NM_001353214.3 (MANE Select); coding-DNA position 764, C replaced by T.
Protein change: p.Thr255Ile; replaces threonine 255 with isoleucine.
Molecular consequence: missense variant. On other transcripts: intron variant (8).
Genome position (GRCh38, 1-based): chr18:49,286,616, G>A on the plus strand (C>T on the coding strand, the complement: DYM is on the minus strand). VCF-style: chr18-49286616-G-A. GRCh37 (hg19) VCF-style: chr18-46812986-G-A.
Other names: c.761C>T, p.Thr254Ile (NM_001353211.3, NM_001353212.3); c.764C>T, p.Thr255Ile (NM_001353215.3, NM_001353216.3, NM_001374428.1 and 5 more transcripts); c.638C>T, p.Thr213Ile (NM_001374432.1, NM_001374436.1); c.536C>T, p.Thr179Ile (NM_001374440.1); c.194C>T, p.Ala65Val (NM_001374441.1, NM_001374442.1, NM_001374444.1); c.761-3C>T (NM_001374439.1, NM_001374429.1); c.194-3C>T (NM_001374443.1); c.764-4441C>T (NM_001374437.1); and 1 more; short protein forms T179I, T213I, A65V, T254I, T255I.
Identifiers: ClinVar variation 1922468 (VCV001922468.5), dbSNP rs1216551325, ClinGen allele CA402508691.